The following is an entry in ClinVar:

ClinVar aggregate classification (germline): Pathogenic (1 of 4 stars; one submission).

Conditions:
Nephronophthisis. Also called: Juvenile Nephronophthisis. Identifiers: Orphanet 655, MedGen C0687120, MONDO:0019005, HP:0000090.

Allele frequency attached by ClinVar (database versions not stated): gnomAD exomes below 0.00001; TOPMed below 0.00001.

Submission:

Labcorp Genetics (formerly Invitae), Labcorp
Classification: Pathogenic for Nephronophthisis. Last evaluated: 2024-03-23. Review status: criteria provided, single submitter. Criteria: Invitae Variant Classification Sherloc (09022015). Collection method: clinical testing. Allele origin: germline.
Comment: This sequence change creates a premature translational stop signal (p.Glu211Argfs*21) in the INVS gene. It is expected to result in an absent or disrupted protein product. Loss-of-function variants in INVS are known to be pathogenic (PMID: 12872123). This variant is present in population databases (no rsID available, gnomAD 0.01%). This variant has not been reported in the literature in individuals affected with INVS-related conditions. For these reasons, this variant has been classified as Pathogenic.

Literature cited by the submitters: PubMed 12872123.

NM_014425.5(INVS):c.630dup (p.Glu211fs)

Gene: INVS (inversin; plus strand). Cytogenetic location: 9q31.1.
Variant type: Duplication.
Coding change: c.630dup on transcript NM_014425.5 (MANE Select); coding-DNA position 630, one base duplicated (A; older notation c.630dupA).
Protein change: p.Glu211fs; shifts the reading frame from glutamic acid 211.
Molecular consequence: frameshift variant. On other transcripts: 5 prime UTR variant (1), non-coding transcript variant (1).
Genome position (GRCh38, 1-based): chr9:100,240,074, A duplicated. VCF-style (leftmost placement, unchanged base first): chr9-100240073-C-CA. GRCh37 (hg19) VCF-style: chr9-103002355-C-CA.
Other names: c.342dup, p.Glu115fs (NM_001318381.2); c.-360dup (NM_001318382.2); short protein forms E115fs, E211fs.
Identifiers: ClinVar variation 3022642 (VCV003022642.3), dbSNP rs1564171882, ClinGen allele CA590046836.